The following is an entry in ClinVar:

GRCh38/hg38 8p23.2(chr8:2475295-3082171)x3

Genes: CSMD1 (CUB and Sushi multiple domains 1; minus strand), LINC03021 (long intergenic non-protein coding RNA 3021; minus strand), LOC105377785 (uncharacterized LOC105377785; plus strand), LOC123987607 (Sharpr-MPRA regulatory region 12422; plus strand), LOC123987608 (Sharpr-MPRA regulatory region 746; plus strand) and 4 more. Cytogenetic location: 8p23.2.
Variant type: copy number gain.
Change: copy number 3 (three copies instead of two) of chr8:2,475,295-3,082,171 (606.9 kb, GRCh38 coordinates, 1-based), cytogenetic band 8p23.2.
Identifiers: ClinVar variation 57082 (VCV000057082.1).

ClinVar aggregate classification (germline): Uncertain significance (1 of 4 stars; one submission).

Submission:

ISCA site 4
Classification: Uncertain significance. Last evaluated: 2011-08-12. Review status: criteria provided, single submitter. Criteria: Kaminsky et al. (Genet Med. 2011). Collection method: clinical testing. Allele origin: unknown. Affected: yes. Observed: 1 variant allele.
Comment: Copy number variation identified through the course of routine clinical cytogenomic testing in postnatal populations. Clinical assertions have been curated as described in Kaminsky et al. 2011.